The following is an entry in ClinVar:

ClinVar aggregate classification (germline): Uncertain significance (1 of 4 stars; one submission).

gnomAD v4.1: 11 of 1,612,458 alleles (0.00068%); highest among the groups gnomAD compares: Non-Finnish European, 0.00085%; no homozygotes.

Submission:

Ambry Genetics
Classification: Uncertain significance. Last evaluated: 2025-05-17. Review status: criteria provided, single submitter. Criteria: Ambry Variant Classification Scheme 2023. Collection method: clinical testing. Allele origin: germline.
Comment: The p.L1131R variant (also known as c.3392T>G), located in coding exon 13 of the WNK2 gene, results from a T to G substitution at nucleotide position 3392. The leucine at codon 1131 is replaced by arginine, an amino acid with dissimilar properties. This amino acid position is conserved. In addition, this alteration is predicted to be tolerated by in silico analysis. Based on the available evidence, the clinical significance of this variant remains unclear.

NM_006648.4(WNK2):c.3392T>G (p.Leu1131Arg)

Gene: WNK2 (WNK lysine deficient protein kinase 2; plus strand). Cytogenetic location: 9q22.31.
Variant type: single nucleotide variant.
Coding change: c.3392T>G on transcript NM_006648.4 (MANE Select); coding-DNA position 3392, T replaced by G.
Protein change: p.Leu1131Arg; replaces leucine 1131 with arginine.
Molecular consequence: missense variant.
Genome position (GRCh38, 1-based): chr9:93,262,701, T>G. VCF-style: chr9-93262701-T-G. GRCh37 (hg19) VCF-style: chr9-96024983-T-G.
Other names: c.3392T>G, p.Leu1131Arg (NM_001282394.3); short protein forms L1131R.
Identifiers: ClinVar variation 3982059 (VCV003982059.1).